The following is an entry in ClinVar:

ClinVar aggregate classification (germline): Uncertain significance. Review status: criteria provided, multiple submitters, no conflicts (2 of 4 stars). 2 submissions from 2 submitters: Uncertain significance (2). Last evaluated 2025-08-30.

Conditions:
L-2-hydroxyglutaric aciduria (L2HGA). Identifiers: Orphanet 79314, MedGen C1855995, MONDO:0009370, OMIM 236792, HP:0040144.
Inborn genetic diseases. Identifiers: MedGen C0950123, MeSH D030342.

Allele frequency attached by ClinVar (database versions not stated): gnomAD exomes below 0.00001; ExAC 0.00001; gnomAD 0.00001; TOPMed 0.00002.
gnomAD v4.1: 8 of 1,612,742 alleles (0.0005%); highest among the groups gnomAD compares: Admixed American, 0.0017%; no homozygotes.

Submissions (2):

Ambry Genetics
Classification: Uncertain significance for Inborn genetic diseases. Last evaluated: 2025-08-30. Review status: criteria provided, single submitter. Criteria: Ambry Variant Classification Scheme 2023. Collection method: clinical testing. Allele origin: germline.

Labcorp Genetics (formerly Invitae), Labcorp
Classification: Uncertain significance for L-2-hydroxyglutaric aciduria. Last evaluated: 2022-06-12. Review status: criteria provided, single submitter. Criteria: Invitae Variant Classification Sherloc (09022015). Collection method: clinical testing. Allele origin: germline.
Comment: This sequence change replaces phenylalanine, which is neutral and non-polar, with serine, which is neutral and polar, at codon 377 of the L2HGDH protein (p.Phe377Ser). This variant is present in population databases (rs760624214, gnomAD 0.003%). This variant has not been reported in the literature in individuals affected with L2HGDH-related conditions. Algorithms developed to predict the effect of missense changes on protein structure and function are either unavailable or do not agree on the potential impact of this missense change (SIFT: "Deleterious"; PolyPhen-2: "Benign"; Align-GVGD: "Class C15"). In summary, the available evidence is currently insufficient to determine the role of this variant in disease. Therefore, it has been classified as a Variant of Uncertain Significance.

NM_024884.3(L2HGDH):c.1130T>C (p.Phe377Ser)

Gene: L2HGDH (L-2-hydroxyglutarate dehydrogenase; minus strand). Cytogenetic location: 14q21.3.
Variant type: single nucleotide variant.
Coding change: c.1130T>C on transcript NM_024884.3 (MANE Select); coding-DNA position 1130, T replaced by C.
Protein change: p.Phe377Ser; replaces phenylalanine 377 with serine.
Molecular consequence: missense variant.
Genome position (GRCh38, 1-based): chr14:50,265,424, A>G on the plus strand (T>C on the coding strand, the complement: L2HGDH is on the minus strand). VCF-style: chr14-50265424-A-G. GRCh37 (hg19) VCF-style: chr14-50732142-A-G.
Other names: c.1130T>C (NM_024884.2); short protein forms F377S.
Identifiers: ClinVar variation 2182455 (VCV002182455.2), dbSNP rs760624214, ClinGen allele CA7177790.
Genomic context (GRCh38, chr14:50,265,424, plus strand): 5'-ATATCACTGATAGTAATTTCAGGGATGAATTTTTGAAGATACTTCACTGTTGCACCAAGA[A>G]AACATGCTTTATACATTTCAGTAACTCCATAGGAAAAATTCTGGGATGCCAGTTTAATCA-3'
Protein context (NP_079160.1, residues 367-387): YGVTEMYKAC[Phe377Ser]LGATVKYLQK